The following is an entry in ClinVar:

NM_000178.4(GSS):c.355G>A (p.Val119Met)

Gene: GSS (glutathione synthetase; minus strand). Cytogenetic location: 20q11.22.
Variant type: single nucleotide variant.
Coding change: c.355G>A on transcript NM_000178.4 (MANE Select); coding-DNA position 355, G replaced by A.
Protein change: p.Val119Met; replaces valine 119 with methionine.
Molecular consequence: missense variant.
Genome position (GRCh38, 1-based): chr20:34,942,624, C>T on the plus strand (G>A on the coding strand, the complement: GSS is on the minus strand). VCF-style: chr20-34942624-C-T. GRCh37 (hg19) VCF-style: chr20-33530427-C-T.
Other names: p.Val119Met; c.355G>A, p.Val119Met (NM_001322494.1, NM_001322495.1); c.355G>A (NM_000178.2); short protein forms V119M.
Identifiers: ClinVar variation 1018066 (VCV001018066.8), dbSNP rs566549635, ClinGen allele CA9826097.

ClinVar aggregate classification (germline): Conflicting classifications of pathogenicity. Review status: criteria provided, conflicting classifications (1 of 4 stars). 3 submissions from 3 submitters: Uncertain significance (2); Likely benign (1). Last evaluated 2024-11-26.

Conditions:
Inherited glutathione synthetase deficiency. Identifiers: Orphanet 32, MedGen C5979912, MONDO:0017909.
Inborn genetic diseases. Identifiers: MedGen C0950123, MeSH D030342.

Allele frequency attached by ClinVar (database versions not stated): TOPMed 0.00002; gnomAD exomes 0.00016 and 0.00024; 1000 Genomes Project 0.00040; ExAC 0.00029; gnomAD 0.00004 and 0.00006; 1000 Genomes Project 30x 0.00047.

Submissions (3):

Mayo Clinic Laboratories, Mayo Clinic
Classification: Uncertain significance. Last evaluated: 2024-11-26. Review status: criteria provided, single submitter. Criteria: ACMG Guidelines, 2015. Collection method: clinical testing. Allele origin: germline. Observed: 1 variant allele.

Ambry Genetics
Classification: Likely benign for Inborn genetic diseases. Last evaluated: 2022-12-04. Review status: criteria provided, single submitter. Criteria: Ambry Variant Classification Scheme 2023. Collection method: clinical testing. Allele origin: germline.

Labcorp Genetics (formerly Invitae), Labcorp
Classification: Uncertain significance for Glutathione synthetase deficiency with 5-oxoprolinuria. Last evaluated: 2021-08-30. Review status: criteria provided, single submitter. Criteria: Invitae Variant Classification Sherloc (09022015). Collection method: clinical testing. Allele origin: germline.
Comment: This sequence change replaces valine with methionine at codon 119 of the GSS protein (p.Val119Met). The valine residue is highly conserved and there is a small physicochemical difference between valine and methionine. This variant is present in population databases (rs566549635, ExAC 0.2%). This variant has not been reported in the literature in individuals affected with GSS-related conditions. Algorithms developed to predict the effect of missense changes on protein structure and function are either unavailable or do not agree on the potential impact of this missense change (SIFT: "Deleterious"; PolyPhen-2: "Probably Damaging"; Align-GVGD: "Class C0"). In summary, the available evidence is currently insufficient to determine the role of this variant in disease. Therefore, it has been classified as a Variant of Uncertain Significance.